The following is an entry in ClinVar:

NM_003126.4(SPTA1):c.4302G>A (p.Lys1434=)

Gene: SPTA1 (spectrin alpha, erythrocytic 1; minus strand). Cytogenetic location: 1q23.1.
Variant type: single nucleotide variant.
Coding change: c.4302G>A on transcript NM_003126.4 (MANE Select); coding-DNA position 4302, G replaced by A.
Protein change: p.Lys1434=; no amino-acid change (lysine 1434 retained).
Molecular consequence: synonymous variant.
Genome position (GRCh38, 1-based): chr1:158,644,289, C>T on the plus strand (G>A on the coding strand, the complement: SPTA1 is on the minus strand). VCF-style: chr1-158644289-C-T. GRCh37 (hg19) VCF-style: chr1-158614079-C-T.
Other names: p.Lys1434=.
Identifiers: ClinVar variation 292986 (VCV000292986.23), dbSNP rs77182042, ClinGen allele CA1182776.

ClinVar aggregate classification (germline): Conflicting classifications of pathogenicity. Review status: criteria provided, conflicting classifications (1 of 4 stars). 8 submissions from 6 submitters: Uncertain significance (2); Benign (1); Likely benign (5). Last evaluated 2026-08-01.

Conditions:
Pyropoikilocytosis, hereditary. Also called: Pyropoikilocytosis. Identifiers: MedGen C0520739, MONDO:0009948, OMIM 266140, HP:0004839. Disease mechanism: loss of function.
Elliptocytosis 2 (EL2). Also called: ELLIPTOCYTOSIS, RHESUS-UNLINKED TYPE. Identifiers: Orphanet 288, MedGen C1851741, MONDO:0007533, OMIM 130600.
Hereditary spherocytosis type 3. Also called: Spherocytosis type 3; SPTA1-Related Spherocytosis. Identifiers: Orphanet 822, MedGen C2678338, MONDO:0010053, OMIM 270970.

Allele frequency attached by ClinVar (database versions not stated): gnomAD exomes 0.00034 and 0.00066; ExAC 0.00083; gnomAD 0.00231 and 0.00243; ESP Exome Variant Server 0.00249; TOPMed 0.00269; 1000 Genomes Project 30x 0.00328; 1000 Genomes Project 0.00359.
gnomAD v4.1: 887 of 1,613,916 alleles (0.055%); highest among the groups gnomAD compares: African/African-American, 0.86%; 4 homozygotes.

Submissions (8):

CeGaT Center for Human Genetics Tuebingen
Classification: Likely benign. Last evaluated: 2026-08-01. Review status: criteria provided, single submitter. Criteria: CeGaT Center For Human Genetics Tuebingen Variant Classification Criteria Version 2. Collection method: clinical testing. Allele origin: germline. Affected: yes. Observed: 2 variant alleles.
Comment: SPTA1: BP4

Labcorp Genetics (formerly Invitae), Labcorp
Classification: Benign. Last evaluated: 2025-12-17. Review status: criteria provided, single submitter. Criteria: Invitae Variant Classification Sherloc (09022015). Collection method: clinical testing. Allele origin: germline.

Mayo Clinic Laboratories, Mayo Clinic
Classification: Likely benign. Last evaluated: 2025-11-13. Review status: criteria provided, single submitter. Criteria: ACMG Guidelines, 2015. Collection method: clinical testing. Allele origin: germline. Observed: 8 variant alleles.

Blueprint Genetics
Classification: Likely benign. Last evaluated: 2024-11-01. Review status: criteria provided, single submitter. Criteria: ACMG Guidelines, 2015. Collection method: clinical testing. Allele origin: germline.

ARUP Laboratories, Molecular Genetics and Genomics, ARUP Laboratories
Classification: Likely benign. Last evaluated: 2021-09-08. Review status: criteria provided, single submitter. Criteria: ARUP Molecular Germline Variant Investigation Process 2021. Collection method: clinical testing. Allele origin: germline.

Illumina Laboratory Services, Illumina
Classification: Uncertain significance for Pyropoikilocytosis, hereditary. Last evaluated: 2018-01-13. Review status: criteria provided, single submitter. Criteria: ICSL Variant Classification Criteria 13 December 2019. Collection method: clinical testing. Allele origin: germline.

Illumina Laboratory Services, Illumina
Classification: Likely benign for Elliptocytosis 2. Last evaluated: 2018-01-13. Review status: criteria provided, single submitter. Criteria: ICSL Variant Classification Criteria 13 December 2019. Collection method: clinical testing. Allele origin: germline.
Comment: This variant was observed in the ICSL laboratory as part of a predisposition screen in an ostensibly healthy population. It had not been previously curated by ICSL or reported in the Human Gene Mutation Database (HGMD: prior to June 1st, 2018), and was therefore a candidate for classification through an automated scoring system. Utilizing variant allele frequency, disease prevalence and penetrance estimates, and inheritance mode, an automated score was calculated to assess if this variant is too frequent to cause the disease. Based on the score and internal cut-off values, a variant classified as likely benign is not then subjected to further curation. The score for this variant resulted in a classification of likely benign for this disease.

Illumina Laboratory Services, Illumina
Classification: Uncertain significance for Hereditary spherocytosis type 3. Last evaluated: 2018-01-13. Review status: criteria provided, single submitter. Criteria: ICSL Variant Classification Criteria 13 December 2019. Collection method: clinical testing. Allele origin: germline.